The following is an entry in ClinVar:

ClinVar aggregate classification (germline): Conflicting classifications of pathogenicity. Review status: criteria provided, conflicting classifications (1 of 4 stars). 6 submissions from 6 submitters: Uncertain significance (2); Likely benign (4). Last evaluated 2025-11-26.

Conditions:
Developmental and epileptic encephalopathy, 1 (DEE1). Also called: INFANTILE SPASM SYNDROME, X-LINKED 1; Epileptic encephalopathy, early infantile, 1; X-linked infantile spasms; West's syndrome; Tonic spasms with clustering, arrest of psychomotor development and hypsarrhythmia on EEG; X-Linked Infantile Spasm Syndrome. Identifiers: MedGen C3463992, MONDO:0010632, OMIM 308350. Disease mechanism: loss of function.
Autosomal dominant nonsyndromic hearing loss 65. Also called: TBC1D24-Related Autosomal Dominant Nonsyndromic Hearing Loss (DFNA); Deafness, autosomal dominant 65. Identifiers: Orphanet 90635, MedGen C3892048, MONDO:0014470, OMIM 616044.
Familial infantile myoclonic epilepsy (FIME). Also called: TBC1D24-Related Familial Infantile Myoclonic Epilepsy (FIME); Epilepsy, Myoclonic, Infantile. Identifiers: Orphanet 352582, MedGen C0917800, MONDO:0011506, OMIM 605021.

Allele frequency attached by ClinVar (database versions not stated): ExAC 0.00005; gnomAD exomes 0.00005 and 0.00011; ESP Exome Variant Server 0.00008; gnomAD 0.00008; TOPMed 0.00008.
gnomAD v4.1: 175 of 1,605,090 alleles (0.011%); highest among the groups gnomAD compares: Admixed American, 0.018%; no homozygotes.

Submissions (6):

Labcorp Genetics (formerly Invitae), Labcorp
Classification: Likely benign for Developmental and epileptic encephalopathy, 1; Autosomal dominant nonsyndromic hearing loss 65. Last evaluated: 2025-11-26. Review status: criteria provided, single submitter. Criteria: Invitae Variant Classification Sherloc (09022015). Collection method: clinical testing. Allele origin: germline.

CeGaT Center for Human Genetics Tuebingen
Classification: Likely benign. Last evaluated: 2022-05-01. Review status: criteria provided, single submitter. Criteria: CeGaT Center For Human Genetics Tuebingen Variant Classification Criteria Version 2. Collection method: clinical testing. Allele origin: germline. Affected: yes. Observed: 1 variant allele.
Comment: TBC1D24: BP4, BP7

GeneDx
Classification: Likely benign. Last evaluated: 2021-04-14. Review status: criteria provided, single submitter. Criteria: GeneDx Variant Classification Process June 2021. Collection method: clinical testing. Allele origin: germline. Affected: yes.

Eurofins Ntd Llc (ga)
Classification: Uncertain significance. Last evaluated: 2018-01-16. Review status: criteria provided, single submitter. Criteria: EGL Classification Definitions 2015. Collection method: clinical testing. Allele origin: germline. Observed: 1 variant allele, 1 heterozygote.

Illumina Laboratory Services, Illumina
Classification: Uncertain significance for Familial infantile myoclonic epilepsy. Last evaluated: 2018-01-12. Review status: criteria provided, single submitter. Criteria: ICSL Variant Classification Criteria 13 December 2019. Collection method: clinical testing. Allele origin: germline.

Laboratory for Molecular Medicine, Mass General Brigham Personalized Medicine
Classification: Likely benign. Last evaluated: 2014-11-24. Review status: criteria provided, single submitter. Criteria: LMM Criteria. Collection method: clinical testing. Allele origin: germline. Observed: 1 variant allele.
Comment: Pro475Pro in exon 7 of TBC1D24: This variant is not expected to have clinical si gnificance because it does not alter an amino acid residue and is not located wi thin the splice consensus sequence. It has been identified in 1/8406 European Am erican chromosomes from a broad population by the NHLBI Exome Sequencing Project.

NM_001199107.2(TBC1D24):c.1425C>T (p.Pro475=)

Gene: TBC1D24 (TBC1 domain family member 24; plus strand). Cytogenetic location: 16p13.3.
Variant type: single nucleotide variant.
Coding change: c.1425C>T on transcript NM_001199107.2 (MANE Select); coding-DNA position 1425, C replaced by T.
Protein change: p.Pro475=; no amino-acid change (proline 475 retained).
Molecular consequence: synonymous variant.
Genome position (GRCh38, 1-based): chr16:2,500,390, C>T. VCF-style: chr16-2500390-C-T. GRCh37 (hg19) VCF-style: chr16-2550391-C-T.
Other names: p.Pro475Pro; c.1407C>T, p.Pro469= (NM_020705.3).
Identifiers: ClinVar variation 318619 (VCV000318619.49), dbSNP rs370869383, ClinGen allele CA7844291.